The following is an entry in ClinVar:

NM_005045.4(RELN):c.3147G>A (p.Arg1049=)

Gene: RELN (reelin; minus strand). Cytogenetic location: 7q22.1.
Variant type: single nucleotide variant.
Coding change: c.3147G>A on transcript NM_005045.4 (MANE Select); coding-DNA position 3147, G replaced by A.
Protein change: p.Arg1049=; no amino-acid change (arginine 1049 retained).
Molecular consequence: synonymous variant.
Genome position (GRCh38, 1-based): chr7:103,603,490, C>T on the plus strand (G>A on the coding strand, the complement: RELN is on the minus strand). VCF-style: chr7-103603490-C-T. GRCh37 (hg19) VCF-style: chr7-103243937-C-T.
Other names: c.3147G>A, p.Arg1049= (NM_173054.3).
Identifiers: ClinVar variation 4793811 (VCV004793811.1).

ClinVar aggregate classification (germline): Uncertain significance (1 of 4 stars; one submission).

Conditions:
Norman-Roberts syndrome (LIS2). Also called: Lissencephaly 2 (Norman-Roberts type). Identifiers: Orphanet 89844, MedGen C0796089, MONDO:0009760, OMIM 257320.
Familial temporal lobe epilepsy 7. Identifiers: Orphanet 101046, MedGen C4225327, MONDO:0014639, OMIM 616436.

gnomAD v4.1: 1 of 1,613,562 alleles (0.000062%); no homozygotes.

Submission:

Labcorp Genetics (formerly Invitae), Labcorp
Classification: Uncertain significance for Familial temporal lobe epilepsy 7; Norman-Roberts syndrome. Last evaluated: 2025-08-14. Review status: criteria provided, single submitter. Criteria: Invitae Variant Classification Sherloc (09022015). Collection method: clinical testing. Allele origin: germline.
Comment: This sequence change affects codon 1049 of the RELN mRNA. It is a 'silent' change, meaning that it does not change the encoded amino acid sequence of the RELN protein. It affects a nucleotide within the consensus splice site. This variant is not present in population databases (gnomAD no frequency). This variant has not been reported in the literature in individuals affected with RELN-related conditions. Algorithms developed to predict the effect of sequence changes on RNA splicing suggest that this variant is not likely to affect RNA splicing. In summary, the available evidence is currently insufficient to determine the role of this variant in disease. Therefore, it has been classified as a Variant of Uncertain Significance.